The following is an entry in ClinVar:

NM_015272.5(RPGRIP1L):c.529+1688_609del

Gene: RPGRIP1L (RPGRIP1 like; minus strand). Cytogenetic location: 16q12.2.
Variant type: Deletion.
Coding change: c.529+1688_609del on transcript NM_015272.5 (MANE Select); 1688 bases into the intron after coding-DNA position 529 through coding-DNA position 609, 2,493 bases deleted.
Molecular consequence: splice acceptor variant.
Genome position (GRCh38, 1-based): chr16:53,687,886-53,690,378, 2,493 bases deleted. GRCh37 (hg19): chr16:53,721,798-53,724,290.
Other names: c.529+1688_609del (NM_001127897.4, NM_001330538.2, NM_001308334.3).
Identifiers: ClinVar variation 1804871 (VCV001804871.1), ClinGen allele CA2580091594.

ClinVar aggregate classification (germline): Likely pathogenic (1 of 4 stars; one submission).

Conditions:
Joubert syndrome and related disorders. Identifiers: Orphanet 140874, MedGen C5679612, MONDO:0015369.

Submission:

Women's Health and Genetics/Laboratory Corporation of America, LabCorp
Classification: Likely pathogenic for Joubert syndrome and related disorders. Last evaluated: 2022-10-13. Review status: criteria provided, single submitter. Criteria: LabCorp Variant Classification Summary - May 2015. Collection method: clinical testing. Allele origin: germline.
Comment: Variant summary: RPGRIP1L c.529+1688_609del2493 is a large deletion of part of exon 5 involving a canonical splice-site and is predicted to affect mRNA splicing resulting in a significantly altered protein due to either exon skipping, shortening, or inclusion of intronic material. The variant was absent in 21694 control chromosomes (gnomAD, Structural Variants dataset). To our knowledge, no occurrence of c.529+1688_609del2493 in individuals affected with Joubert Syndrome And Related Disorders and no experimental evidence demonstrating its impact on protein function have been reported. No clinical diagnostic laboratories have submitted clinical-significance assessments for this variant to ClinVar after 2014. Based on the evidence outlined above, the variant was classified as likely pathogenic.